The following is an entry in ClinVar:

NM_001322934.2(NFKB2):c.145-4T>G

Gene: NFKB2 (nuclear factor kappa B subunit 2; plus strand). Cytogenetic location: 10q24.32.
Variant type: single nucleotide variant.
Coding change: c.145-4T>G on transcript NM_001322934.2 (MANE Select); 4 bases into the intron before coding-DNA position 145, T replaced by G.
Molecular consequence: intron variant.
Genome position (GRCh38, 1-based): chr10:102,396,721, T>G. VCF-style: chr10-102396721-T-G. GRCh37 (hg19) VCF-style: chr10-104156478-T-G.
Other names: c.145-4T>G (NM_001288724.1, NM_001322935.1, NM_001077494.3 and 2 more transcripts).
Identifiers: ClinVar variation 794037 (VCV000794037.11), dbSNP rs374924291, ClinGen allele CA5664482.

ClinVar aggregate classification (germline): Likely benign. Review status: criteria provided, single submitter (1 of 4 stars). 2 submissions from 2 submitters: Likely benign (1). 1 of the submissions does not count toward it. Last evaluated 2025-09-23.

Conditions:
NFKB2-related disorder. Also called: NFKB2-related condition.
Immunodeficiency, common variable, 10. Also called: IMMUNODEFICIENCY, COMMON VARIABLE, WITH CENTRAL ADRENAL INSUFFICIENCY; DEFICIT IN ANTERIOR PITUITARY FUNCTION AND VARIABLE IMMUNODEFICIENCY. Identifiers: MedGen C3809991, MONDO:0014260, OMIM 615577.

Allele frequency attached by ClinVar (database versions not stated): TOPMed 0.00003; ESP Exome Variant Server 0.00008; ExAC 0.00001; gnomAD 0.00001; gnomAD exomes 0.00001.
gnomAD v4.1: 15 of 1,611,086 alleles (0.00093%); highest among the groups gnomAD compares: Non-Finnish European, 0.0013%; no homozygotes.

Submissions (2):

Labcorp Genetics (formerly Invitae), Labcorp
Classification: Likely benign for Immunodeficiency, common variable, 10. Last evaluated: 2025-09-23. Review status: criteria provided, single submitter. Criteria: Invitae Variant Classification Sherloc (09022015). Collection method: clinical testing. Allele origin: germline.

PreventionGenetics, part of Exact Sciences
Classification: Likely benign for NFKB2-related condition. Last evaluated: 2023-12-26. Review status: no assertion criteria provided. Collection method: clinical testing. Allele origin: germline. Not counted in ClinVar's aggregate classification.
Comment: This variant is classified as likely benign based on ACMG/AMP sequence variant interpretation guidelines (Richards et al. 2015 PMID: 25741868, with internal and published modifications).